The following is an entry in ClinVar:

NM_001278116.2(L1CAM):c.1707C>T (p.Tyr569=)

Gene: L1CAM (L1 cell adhesion molecule; minus strand). Cytogenetic location: Xq28.
Variant type: single nucleotide variant.
Coding change: c.1707C>T on transcript NM_001278116.2 (MANE Select); coding-DNA position 1707, C replaced by T.
Protein change: p.Tyr569=; no amino-acid change (tyrosine 569 retained).
Molecular consequence: synonymous variant.
Genome position (GRCh38, 1-based): chrX:153,868,119, G>A on the plus strand (C>T on the coding strand, the complement: L1CAM is on the minus strand). VCF-style: chrX-153868119-G-A. GRCh37 (hg19) VCF-style: chrX-153133574-G-A.
Other names: c.1707C>T, p.Tyr569= (NM_000425.5, NM_024003.3); c.1692C>T, p.Tyr564= (NM_001143963.2).
Identifiers: ClinVar variation 2909638 (VCV002909638.18), dbSNP rs148237445, ClinGen allele CA337262260.

ClinVar aggregate classification (germline): Benign/Likely benign. Review status: criteria provided, multiple submitters, no conflicts (2 of 4 stars). 3 submissions from 3 submitters: Benign (1); Likely benign (2). Last evaluated 2024-09-01.

Conditions:
Spastic paraplegia. Identifiers: MedGen C0037772, HP:0001258.

Allele frequency attached by ClinVar (database versions not stated): gnomAD exomes 0.00002; gnomAD 0.00003; TOPMed 0.00003; ESP Exome Variant Server 0.00009.
gnomAD v4.1: 20 of 1,208,504 alleles (0.0017%); highest among the groups gnomAD compares: Non-Finnish European, 0.0022%; no homozygotes.

Submissions (3):

CeGaT Center for Human Genetics Tuebingen
Classification: Likely benign. Last evaluated: 2024-09-01. Review status: criteria provided, single submitter. Criteria: CeGaT Center For Human Genetics Tuebingen Variant Classification Criteria Version 2. Collection method: clinical testing. Allele origin: germline. Affected: yes. Observed: 1 variant allele.
Comment: L1CAM: BP4, BP7, BS2

Labcorp Genetics (formerly Invitae), Labcorp
Classification: Benign for Spastic paraplegia. Last evaluated: 2023-11-02. Review status: criteria provided, single submitter. Criteria: Invitae Variant Classification Sherloc (09022015). Collection method: clinical testing. Allele origin: germline.

Blueprint Genetics
Classification: Likely benign. Last evaluated: 2021-10-05. Review status: criteria provided, single submitter. Criteria: ACMG Guidelines, 2015. Collection method: clinical testing. Allele origin: germline.